The following is an entry in ClinVar:

ClinVar aggregate classification (germline): Uncertain significance (1 of 4 stars; one submission).

Conditions:
Frontotemporal dementia and/or amyotrophic lateral sclerosis 1 (FTDALS1). Also called: C9orf72 Frontotemporal Dementia and/or Amyotrophic Lateral Sclerosis; Frontotemporal dementia with motor neuron disease 1. Identifiers: Orphanet 275872, MedGen C5779877, MONDO:0007105, OMIM 105550.
Paget disease of bone 2, early-onset (PDB2). Also called: Paget disease of bone 2. Identifiers: MedGen C4085251, MONDO:0011183, OMIM 602080.

Submission:

Labcorp Genetics (formerly Invitae), Labcorp
Classification: Uncertain significance for Paget disease of bone 2, early-onset; Frontotemporal dementia and/or amyotrophic lateral sclerosis 1. Last evaluated: 2025-11-10. Review status: criteria provided, single submitter. Criteria: Invitae Variant Classification Sherloc (09022015). Collection method: clinical testing. Allele origin: germline.
Comment: This sequence change replaces valine, which is neutral and non-polar, with glutamic acid, which is acidic and polar, at codon 346 of the SQSTM1 protein (p.Val346Glu). This variant is not present in population databases (gnomAD no frequency). This variant has not been reported in the literature in individuals affected with SQSTM1-related conditions. Invitae Evidence Modeling of protein sequence and biophysical properties (such as structural, functional, and spatial information, amino acid conservation, physicochemical variation, residue mobility, and thermodynamic stability) indicates that this missense variant is not expected to disrupt SQSTM1 protein function with a negative predictive value of 80%. In summary, the available evidence is currently insufficient to determine the role of this variant in disease. Therefore, it has been classified as a Variant of Uncertain Significance.

NM_003900.5(SQSTM1):c.1037T>A (p.Val346Glu)

Gene: SQSTM1 (sequestosome 1; plus strand). Cytogenetic location: 5q35.3.
Variant type: single nucleotide variant.
Coding change: c.1037T>A on transcript NM_003900.5 (MANE Select); coding-DNA position 1037, T replaced by A.
Protein change: p.Val346Glu; replaces valine 346 with glutamic acid.
Molecular consequence: missense variant.
Genome position (GRCh38, 1-based): chr5:179,833,654, T>A. VCF-style: chr5-179833654-T-A. GRCh37 (hg19) VCF-style: chr5-179260654-T-A.
Other names: c.785T>A, p.Val262Glu (NM_001142298.2, NM_001142299.2); short protein forms V262E, V346E.
Identifiers: ClinVar variation 4791557 (VCV004791557.1).